The following is an entry in ClinVar:

ClinVar aggregate classification (germline): Uncertain significance (1 of 4 stars; one submission).

Conditions:
Mucopolysaccharidosis, MPS-III-C (MPS3C). Also called: MUCOPOLYSACCHARIDOSIS, TYPE IIIC; Mucopolysaccharidosis type IIIC (Sanfilippo C); SANFILIPPO SYNDROME C; MPS III C; mucopolysaccharidosis type 3C; MPS IIIC (Sanfilippo Syndrome Type C). Identifiers: Orphanet 581, Orphanet 79271, MedGen C0086649, MONDO:0009657, OMIM 252930.
Retinitis pigmentosa 73 (RP73). Identifiers: Orphanet 791, MedGen C4225287, MONDO:0014687, OMIM 616544.

Allele frequency attached by ClinVar (database versions not stated): gnomAD exomes below 0.00001; gnomAD 0.00002; ESP Exome Variant Server 0.00008; ExAC 0.00001; TOPMed 0.00002.
gnomAD v4.1: 4 of 1,609,334 alleles (0.00025%); highest among the groups gnomAD compares: African/African-American, 0.0054%; no homozygotes.

Submission:

Labcorp Genetics (formerly Invitae), Labcorp
Classification: Uncertain significance for Retinitis pigmentosa 73; Mucopolysaccharidosis, MPS-III-C. Last evaluated: 2022-08-31. Review status: criteria provided, single submitter. Criteria: Invitae Variant Classification Sherloc (09022015). Collection method: clinical testing. Allele origin: germline.
Comment: This sequence change replaces serine, which is neutral and polar, with cysteine, which is neutral and slightly polar, at codon 181 of the HGSNAT protein (p.Ser181Cys). This variant is present in population databases (rs375238536, gnomAD 0.008%). This variant has not been reported in the literature in individuals affected with HGSNAT-related conditions. Advanced modeling of protein sequence and biophysical properties (such as structural, functional, and spatial information, amino acid conservation, physicochemical variation, residue mobility, and thermodynamic stability) performed at Invitae indicates that this missense variant is not expected to disrupt HGSNAT protein function. In summary, the available evidence is currently insufficient to determine the role of this variant in disease. Therefore, it has been classified as a Variant of Uncertain Significance.

NM_152419.3(HGSNAT):c.542C>G (p.Ser181Cys)

Gene: HGSNAT (heparan-alpha-glucosaminide N-acetyltransferase; plus strand). Cytogenetic location: 8p11.21.
Variant type: single nucleotide variant.
Coding change: c.542C>G on transcript NM_152419.3 (MANE Select); coding-DNA position 542, C replaced by G.
Protein change: p.Ser181Cys; replaces serine 181 with cysteine.
Molecular consequence: missense variant. On other transcripts: 5 prime UTR variant (1).
Genome position (GRCh38, 1-based): chr8:43,161,486, C>G. VCF-style: chr8-43161486-C-G. GRCh37 (hg19) VCF-style: chr8-43016629-C-G.
Other names: c.542C>G, p.Ser181Cys (NM_001363227.2, NM_001363228.2); c.-292C>G (NM_001363229.2); short protein forms S181C.
Identifiers: ClinVar variation 1904401 (VCV001904401.2), dbSNP rs375238536, ClinGen allele CA4736534.